The following is an entry in ClinVar:

ClinVar aggregate classification (germline): Uncertain significance (1 of 4 stars; one submission).

Conditions:
Immunodeficiency 104. Also called: Severe combined immunodeficiency, autosomal recessive, T cell-negative, B cell-positive, NK cell-positive; SCID, AUTOSOMAL RECESSIVE, T CELL-NEGATIVE, B CELL-POSITIVE, NK CELL-POSITIVE; IMMUNODEFICIENCY 104, SEVERE COMBINED; Severe Combined Immune Deficiency, Autosomal Recessive, TCell -Negative, B Cell-Positive, NK Cell-Positive, IL7R-Related. Identifiers: MedGen C5676890, MONDO:0012163, OMIM 608971.

Allele frequency attached by ClinVar (database versions not stated): gnomAD 0.00001; TOPMed 0.00001.
gnomAD v4.1: 1 of 1,613,428 alleles (0.000062%); highest among the groups gnomAD compares: Non-Finnish European, 0.000085%; no homozygotes.

Submission:

Labcorp Genetics (formerly Invitae), Labcorp
Classification: Uncertain significance for Immunodeficiency 104. Last evaluated: 2018-10-01. Review status: criteria provided, single submitter. Criteria: Invitae Variant Classification Sherloc (09022015). Collection method: clinical testing. Allele origin: germline.
Comment: In summary, the available evidence is currently insufficient to determine the role of this variant in disease. Therefore, it has been classified as a Variant of Uncertain Significance. Algorithms developed to predict the effect of missense changes on protein structure and function are either unavailable or do not agree on the potential impact of this missense change (SIFT: "Deleterious"; PolyPhen-2: "Probably Damaging"; Align-GVGD: "Class C0"). This variant has not been reported in the literature in individuals with IL7R-related disease. This variant is not present in population databases (ExAC no frequency). This sequence change replaces leucine with proline at codon 55 of the IL7R protein (p.Leu55Pro). The leucine residue is highly conserved and there is a moderate physicochemical difference between leucine and proline.

NM_002185.5(IL7R):c.164T>C (p.Leu55Pro)

Gene: IL7R (interleukin 7 receptor; plus strand). Cytogenetic location: 5p13.2.
Variant type: single nucleotide variant.
Coding change: c.164T>C on transcript NM_002185.5 (MANE Select); coding-DNA position 164, T replaced by C.
Protein change: p.Leu55Pro; replaces leucine 55 with proline.
Molecular consequence: missense variant. On other transcripts: non-coding transcript variant (1).
Genome position (GRCh38, 1-based): chr5:35,860,933, T>C. VCF-style: chr5-35860933-T-C. GRCh37 (hg19) VCF-style: chr5-35861035-T-C.
Other names: short protein forms L55P.
Identifiers: ClinVar variation 654756 (VCV000654756.8), dbSNP rs1273552553, ClinGen allele CA359426866.